The following is an entry in ClinVar:

NM_000081.4(LYST):c.4678C>T (p.Leu1560Phe)

Gene: LYST (lysosomal trafficking regulator; minus strand). Cytogenetic location: 1q42.3.
Variant type: single nucleotide variant.
Coding change: c.4678C>T on transcript NM_000081.4 (MANE Select); coding-DNA position 4678, C replaced by T.
Protein change: p.Leu1560Phe; replaces leucine 1560 with phenylalanine.
Molecular consequence: missense variant.
Genome position (GRCh38, 1-based): chr1:235,788,711, G>A on the plus strand (C>T on the coding strand, the complement: LYST is on the minus strand). VCF-style: chr1-235788711-G-A. GRCh37 (hg19) VCF-style: chr1-235952011-G-A.
Other names: c.4678C>T, p.Leu1560Phe (NM_001301365.1); short protein forms L1560F.
Identifiers: ClinVar variation 1382978 (VCV001382978.5), dbSNP rs1304022629, ClinGen allele CA344958004.

ClinVar aggregate classification (germline): Uncertain significance (1 of 4 stars; one submission).

Conditions:
Chédiak-Higashi syndrome (CHS). Also called: Chediak-Higashi Syndrome. Identifiers: Orphanet 167, MedGen C0007965, MONDO:0008963, OMIM 214500.

Submission:

Labcorp Genetics (formerly Invitae), Labcorp
Classification: Uncertain significance for Chédiak-Higashi syndrome. Last evaluated: 2023-12-22. Review status: criteria provided, single submitter. Criteria: Invitae Variant Classification Sherloc (09022015). Collection method: clinical testing. Allele origin: germline.
Comment: This sequence change replaces leucine, which is neutral and non-polar, with phenylalanine, which is neutral and non-polar, at codon 1560 of the LYST protein (p.Leu1560Phe). This variant is not present in population databases (gnomAD no frequency). This variant has not been reported in the literature in individuals affected with LYST-related conditions. ClinVar contains an entry for this variant (Variation ID: 1382978). Advanced modeling of protein sequence and biophysical properties (such as structural, functional, and spatial information, amino acid conservation, physicochemical variation, residue mobility, and thermodynamic stability) performed at Invitae indicates that this missense variant is not expected to disrupt LYST protein function with a negative predictive value of 80%. In summary, the available evidence is currently insufficient to determine the role of this variant in disease. Therefore, it has been classified as a Variant of Uncertain Significance.